The following is an entry in ClinVar:

NM_001242896.3(DEPDC5):c.1628A>G (p.Tyr543Cys)

Gene: DEPDC5 (DEP domain containing 5, GATOR1 subcomplex subunit; plus strand). Cytogenetic location: 22q12.3.
Variant type: single nucleotide variant.
Coding change: c.1628A>G on transcript NM_001242896.3 (MANE Select); coding-DNA position 1628, A replaced by G.
Protein change: p.Tyr543Cys; replaces tyrosine 543 with cysteine.
Molecular consequence: missense variant. On other transcripts: non-coding transcript variant (5).
Genome position (GRCh38, 1-based): chr22:31,815,174, A>G. VCF-style: chr22-31815174-A-G. GRCh37 (hg19) VCF-style: chr22-32211160-A-G.
Other names: c.1628A>G, p.Tyr543Cys (NM_001007188.4, NM_001136029.4, NM_001242897.2 and 7 more transcripts); c.1544A>G, p.Tyr515Cys (NM_001369901.1, NM_001369902.1); short protein forms Y515C, Y543C.
Identifiers: ClinVar variation 2653081 (VCV002653081.24), dbSNP rs751067101, ClinGen allele CA323315698.

ClinVar aggregate classification (germline): Uncertain significance (1 of 4 stars; one submission).

Allele frequency attached by ClinVar (database versions not stated): gnomAD exomes 0.00001.

Submission:

CeGaT Center for Human Genetics Tuebingen
Classification: Uncertain significance. Last evaluated: 2022-03-01. Review status: criteria provided, single submitter. Criteria: CeGaT Center For Human Genetics Tuebingen Variant Classification Criteria Version 2. Collection method: clinical testing. Allele origin: germline. Affected: yes. Observed: 1 variant allele.
Comment: DEPDC5: PM2